The following is an entry in ClinVar:

ClinVar aggregate classification (germline): Uncertain significance. Review status: criteria provided, multiple submitters, no conflicts (2 of 4 stars). 3 submissions from 3 submitters: Uncertain significance (3). Last evaluated 2023-09-26.

Conditions:
Hereditary cancer-predisposing syndrome. Also called: Neoplastic Syndromes, Hereditary; Tumor predisposition; Hereditary Cancer Syndrome; Hereditary neoplastic syndrome. Identifiers: Orphanet 140162, MedGen C0027672, MeSH D009386, MONDO:0015356.
Familial adenomatous polyposis 1 (FAP1). Also called: FAMILIAL ADENOMATOUS POLYPOSIS 1, ATTENUATED; POLYPOSIS, ADENOMATOUS INTESTINAL. Identifiers: MedGen C2713442, MONDO:0021056, OMIM 175100. Disease mechanism: loss of function.

Submissions (3):

Ambry Genetics
Classification: Uncertain significance for Hereditary cancer-predisposing syndrome. Last evaluated: 2023-09-26. Review status: criteria provided, single submitter. Criteria: Ambry Variant Classification Scheme 2023. Collection method: clinical testing. Allele origin: germline.
Comment: The p.M526L variant (also known as c.1576A>T), located in coding exon 12 of the APC gene, results from an A to T substitution at nucleotide position 1576. The methionine at codon 526 is replaced by leucine, an amino acid with highly similar properties. This amino acid position is highly conserved in available vertebrate species. In addition, in silico predictors for this gene do not accurately predict pathogenicity. Since supporting evidence is limited at this time, the clinical significance of this alteration remains unclear.

Labcorp Genetics (formerly Invitae), Labcorp
Classification: Uncertain significance for Familial adenomatous polyposis 1. Last evaluated: 2022-05-27. Review status: criteria provided, single submitter. Criteria: Invitae Variant Classification Sherloc (09022015). Collection method: clinical testing. Allele origin: germline.
Comment: In summary, the available evidence is currently insufficient to determine the role of this variant in disease. Therefore, it has been classified as a Variant of Uncertain Significance. Algorithms developed to predict the effect of missense changes on protein structure and function (SIFT, PolyPhen-2, Align-GVGD) all suggest that this variant is likely to be tolerated. ClinVar contains an entry for this variant (Variation ID: 922517). This variant has not been reported in the literature in individuals affected with APC-related conditions. This variant is not present in population databases (gnomAD no frequency). This sequence change replaces methionine, which is neutral and non-polar, with leucine, which is neutral and non-polar, at codon 526 of the APC protein (p.Met526Leu).

Color Diagnostics, LLC DBA Color Health
Classification: Uncertain significance for Hereditary cancer-predisposing syndrome. Last evaluated: 2019-05-24. Review status: criteria provided, single submitter. Criteria: ACMG Guidelines, 2015. Collection method: clinical testing. Allele origin: germline.

NM_000038.6(APC):c.1576A>T (p.Met526Leu)

Gene: APC (APC regulator of Wnt signaling pathway; plus strand). Cytogenetic location: 5q22.2.
Variant type: single nucleotide variant.
Coding change: c.1576A>T on transcript NM_000038.6 (MANE Select); coding-DNA position 1576, A replaced by T.
Protein change: p.Met526Leu; replaces methionine 526 with leucine.
Molecular consequence: missense variant.
Genome position (GRCh38, 1-based): chr5:112,827,956, A>T. VCF-style: chr5-112827956-A-T. GRCh37 (hg19) VCF-style: chr5-112163653-A-T.
Other names: c.1576A>T, p.Met526Leu (NM_001127510.3, NM_001354895.2); c.1522A>T, p.Met508Leu (NM_001127511.3); c.1630A>T, p.Met544Leu (NM_001354896.2); c.1606A>T, p.Met536Leu (NM_001354897.2); c.1501A>T, p.Met501Leu (NM_001354898.2); c.1492A>T, p.Met498Leu (NM_001354899.2); c.1453A>T, p.Met485Leu (NM_001354900.2); c.1399A>T, p.Met467Leu (NM_001354901.2); and 5 more; short protein forms M467L, M544L, M366L, M400L, M425L, M526L, M536L, M435L.
Identifiers: ClinVar variation 922517 (VCV000922517.14), dbSNP rs777219286, ClinGen allele CA16024750.